The following is an entry in ClinVar:

NM_001162498.3(LPAR6):c.587C>G (p.Pro196Arg)

Genes: LPAR6 (lysophosphatidic acid receptor 6; minus strand), RB1 (RB transcriptional corepressor 1; plus strand). Cytogenetic location: 13q14.2.
Variant type: single nucleotide variant.
Coding change: c.587C>G on transcript NM_001162498.3 (MANE Select); coding-DNA position 587, C replaced by G.
Protein change: p.Pro196Arg; replaces proline 196 with arginine.
Molecular consequence: missense variant. On other transcripts: intron variant (2).
Genome position (GRCh38, 1-based): chr13:48,411,837, G>C on the plus strand (C>G on the coding strand, the complement: LPAR6 is on the minus strand). VCF-style: chr13-48411837-G-C. GRCh37 (hg19) VCF-style: chr13-48985973-G-C.
Other names: c.587C>G, p.Pro196Arg (NM_001162497.3, NM_001377316.2, NM_001377317.2 and 1 more transcripts); c.1695+30394G>C (NM_001407165.1, NM_000321.3); short protein forms P196R.
Identifiers: ClinVar variation 4525850 (VCV004525850.1).

ClinVar aggregate classification (germline): Uncertain significance (1 of 4 stars; one submission).

gnomAD v4.1: 6 of 1,612,982 alleles (0.00037%); highest among the groups gnomAD compares: Non-Finnish European, 0.00051%; no homozygotes.

Submission:

Women's Health and Genetics/Laboratory Corporation of America, LabCorp
Classification: Uncertain significance. Last evaluated: 2025-07-30. Review status: criteria provided, single submitter. Criteria: LabCorp Variant Classification Summary - May 2015. Collection method: clinical testing. Allele origin: germline.
Comment: Variant summary: LPAR6 c.587C>G (p.Pro196Arg) results in a non-conservative amino acid change in the encoded protein sequence. Algorithms developed to predict the effect of missense changes on protein structure and function all suggest that this variant is likely to be disruptive. The variant allele was found at a frequency of 4e-06 in 249518 control chromosomes. The available data on variant occurrences in the general population are insufficient to allow any conclusion about variant significance. To our knowledge, no occurrence of c.587C>G in individuals affected with Hypotrichosis 8 and no experimental evidence demonstrating its impact on protein function have been reported. A different variant affecting the same codon has been classified as likely pathogenic/pathogenic by our lab (c.587C>T, &same_codon_pdot&), supporting the critical relevance of codon 196 to LPAR6 protein function. No submitters have cited clinical-significance assessments for this variant to ClinVar. Based on the evidence outlined above, the variant was classified as uncertain significance.